The following is an entry in ClinVar:

ClinVar aggregate classification (germline): Uncertain significance (1 of 4 stars; one submission).

Conditions:
Spermatogenic failure 18. Identifiers: MedGen C4539783, MONDO:0054615, OMIM 617576.
Ciliary dyskinesia, primary, 37 (CILD37). Also called: CILIARY DYSKINESIA, PRIMARY, 37, WITH OR WITHOUT SITUS INVERSUS. Identifiers: MedGen C4539798, MONDO:0033204, OMIM 617577.

Allele frequency attached by ClinVar (database versions not stated): ExAC 0.00001; gnomAD exomes 0.00001; TOPMed 0.00002; gnomAD 0.00003; 1000 Genomes Project 30x 0.00016; 1000 Genomes Project 0.00020.
gnomAD v4.1: 15 of 1,613,878 alleles (0.00093%); highest among the groups gnomAD compares: Admixed American, 0.0033%; no homozygotes.

Submission:

Labcorp Genetics (formerly Invitae), Labcorp
Classification: Uncertain significance for Ciliary dyskinesia, primary, 37; Spermatogenic failure 18. Last evaluated: 2023-03-13. Review status: criteria provided, single submitter. Criteria: Invitae Variant Classification Sherloc (09022015). Collection method: clinical testing. Allele origin: germline.
Comment: In summary, the available evidence is currently insufficient to determine the role of this variant in disease. Therefore, it has been classified as a Variant of Uncertain Significance. Algorithms developed to predict the effect of sequence changes on RNA splicing suggest that this variant may create or strengthen a splice site. This variant has not been reported in the literature in individuals affected with DNAH1-related conditions. This variant is present in population databases (rs527535218, gnomAD 0.007%). This sequence change affects codon 1933 of the DNAH1 mRNA. It is a 'silent' change, meaning that it does not change the encoded amino acid sequence of the DNAH1 protein.

NM_015512.5(DNAH1):c.5799G>A (p.Ala1933=)

Gene: DNAH1 (dynein axonemal heavy chain 1; plus strand). Cytogenetic location: 3p21.1.
Variant type: single nucleotide variant.
Coding change: c.5799G>A on transcript NM_015512.5 (MANE Select); coding-DNA position 5799, G replaced by A.
Protein change: p.Ala1933=; no amino-acid change (alanine 1933 retained).
Molecular consequence: synonymous variant.
Genome position (GRCh38, 1-based): chr3:52,368,774, G>A. VCF-style: chr3-52368774-G-A. GRCh37 (hg19) VCF-style: chr3-52402790-G-A.
Identifiers: ClinVar variation 2946263 (VCV002946263.1), dbSNP rs527535218, ClinGen allele CA2434336.